The following is an entry in ClinVar:

NM_001386135.1(AFF3):c.2307A>G (p.Lys769=)

Gene: AFF3 (ALF transcription elongation factor 3; minus strand). Cytogenetic location: 2q11.2.
Variant type: single nucleotide variant.
Coding change: c.2307A>G on transcript NM_001386135.1 (MANE Select); coding-DNA position 2307, A replaced by G.
Protein change: p.Lys769=; no amino-acid change (lysine 769 retained).
Molecular consequence: synonymous variant.
Genome position (GRCh38, 1-based): chr2:99,593,354, T>C on the plus strand (A>G on the coding strand, the complement: AFF3 is on the minus strand). VCF-style: chr2-99593354-T-C. GRCh37 (hg19) VCF-style: chr2-100209816-T-C.
Other names: c.2382A>G, p.Lys794= (NM_001025108.2); c.2307A>G, p.Lys769= (NM_002285.3).
Identifiers: ClinVar variation 3054555 (VCV003054555.2), dbSNP rs200425747, ClinGen allele CA1800931.

ClinVar aggregate classification (germline): Likely benign (0 of 4 stars; one submission).

Conditions:
AFF3-related disorder. Also called: AFF3-related condition.

Allele frequency attached by ClinVar (database versions not stated): TOPMed 0.00003; gnomAD 0.00005; ExAC 0.00012; gnomAD exomes 0.00014; 1000 Genomes Project 30x 0.00031; 1000 Genomes Project 0.00040.
gnomAD v4.1: 208 of 1,613,952 alleles (0.013%); highest among the groups gnomAD compares: East Asian, 0.46%; 1 homozygote.

Submission:

PreventionGenetics, part of Exact Sciences
Classification: Likely benign for AFF3-related condition. Last evaluated: 2022-05-06. Review status: no assertion criteria provided. Collection method: clinical testing. Allele origin: germline.
Comment: This variant is classified as likely benign based on ACMG/AMP sequence variant interpretation guidelines (Richards et al. 2015 PMID: 25741868, with internal and published modifications).